The following is an entry in ClinVar:

NM_170784.3(MKKS):c.945A>G (p.Arg315=)

Gene: MKKS (MKKS centrosomal shuttling protein; minus strand). Cytogenetic location: 20p12.2.
Variant type: single nucleotide variant.
Coding change: c.945A>G on transcript NM_170784.3 (MANE Select); coding-DNA position 945, A replaced by G.
Protein change: p.Arg315=; no amino-acid change (arginine 315 retained).
Molecular consequence: synonymous variant.
Genome position (GRCh38, 1-based): chr20:10,412,570, T>C on the plus strand (A>G on the coding strand, the complement: MKKS is on the minus strand). VCF-style: chr20-10412570-T-C. GRCh37 (hg19) VCF-style: chr20-10393218-T-C.
Other names: c.945A>G, p.Arg315= (NM_018848.3).
Identifiers: ClinVar variation 1150672 (VCV001150672.10), dbSNP rs763720494, ClinGen allele CA9763601.

ClinVar aggregate classification (germline): Likely benign. Review status: criteria provided, single submitter (1 of 4 stars). 2 submissions from 2 submitters: Likely benign (1). 1 of the submissions does not count toward it. Last evaluated 2022-09-12.

Conditions:
MKKS-related disorder. Also called: MKKS-related condition; MKKS-related disorders.
Bardet-Biedl syndrome (BBS). Identifiers: Orphanet 110, MedGen C0752166, MONDO:0015229.
McKusick-Kaufman syndrome (MKKS). Also called: HYDROMETROCOLPOS SYNDROME; HYDROMETROCOLPOS, POSTAXIAL POLYDACTYLY, AND CONGENITAL HEART MALFORMATION. Identifiers: Orphanet 2473, MedGen C0948368, MONDO:0009367, OMIM 236700.

Allele frequency attached by ClinVar (database versions not stated): gnomAD exomes below 0.00001 and 0.00001; ExAC 0.00001; gnomAD 0.00001; TOPMed 0.00002.
gnomAD v4.1: 11 of 1,613,978 alleles (0.00068%); highest among the groups gnomAD compares: African/African-American, 0.0027%; no homozygotes.

Submissions (2):

Labcorp Genetics (formerly Invitae), Labcorp
Classification: Likely benign for McKusick-Kaufman syndrome; Bardet-Biedl syndrome. Last evaluated: 2022-09-12. Review status: criteria provided, single submitter. Criteria: Invitae Variant Classification Sherloc (09022015). Collection method: clinical testing. Allele origin: germline.

PreventionGenetics, part of Exact Sciences
Classification: Likely benign for MKKS-related condition. Last evaluated: 2024-01-18. Review status: no assertion criteria provided. Collection method: clinical testing. Allele origin: germline. Not counted in ClinVar's aggregate classification.
Comment: This variant is classified as likely benign based on ACMG/AMP sequence variant interpretation guidelines (Richards et al. 2015 PMID: 25741868, with internal and published modifications).